The following is an entry in ClinVar:

NM_006421.5(ARFGEF1):c.784G>A (p.Glu262Lys)

Gene: ARFGEF1 (ARF guanine nucleotide exchange factor 1; minus strand). Cytogenetic location: 8q13.2.
Variant type: single nucleotide variant.
Coding change: c.784G>A on transcript NM_006421.5 (MANE Select); coding-DNA position 784, G replaced by A.
Protein change: p.Glu262Lys; replaces glutamic acid 262 with lysine.
Molecular consequence: missense variant. On other transcripts: 5 prime UTR variant (1), non-coding transcript variant (1).
Genome position (GRCh38, 1-based): chr8:67,291,979, C>T on the plus strand (G>A on the coding strand, the complement: ARFGEF1 is on the minus strand). VCF-style: chr8-67291979-C-T. GRCh37 (hg19) VCF-style: chr8-68204214-C-T.
Other names: c.784G>A, p.Glu262Lys (NM_001413184.1, NM_001413185.1, NM_001413186.1 and 7 more transcripts); c.184G>A, p.Glu62Lys (NM_001413188.1, NM_001413193.1, NM_001413197.1); c.-332G>A (NM_001413196.1); short protein forms E262K, E62K.
Identifiers: ClinVar variation 3367010 (VCV003367010.1).

ClinVar aggregate classification (germline): Uncertain significance (1 of 4 stars; one submission).

Conditions:
Developmental delay, impaired speech, and behavioral abnormalities, with or without seizures (DEDISB). Identifiers: MedGen C5575272, MONDO:0859263, OMIM 619964.

gnomAD v4.1: 7 of 1,613,802 alleles (0.00043%); highest among the groups gnomAD compares: African/African-American, 0.0067%; no homozygotes.

Submission:

Neuberg Centre For Genomic Medicine, NCGM
Classification: Uncertain significance for Developmental delay, impaired speech, and behavioral abnormalities, with or without seizures. Last evaluated: 2023-05-20. Review status: criteria provided, single submitter. Criteria: ACMG Guidelines, 2015. Collection method: clinical testing. Allele origin: germline. Inheritance: Autosomal dominant inheritance. Affected: yes.
Comment: The observed missense variant c.784G>A(p.Glu262Lys in ARFGEF1 gene has not been reported previously as a pathogenic variant nor as a benign variant, to our knowledge. The c.784G>A variant has 0.002% allele frequency in gnomAD Exomes. The amino acid Glutamic acid at position 262 is changed to a Lysine changing protein sequence and it might alter its composition and physico-chemical properties. The reference amino acid in ARFGEF1 is predicted as conserved by GERP++ and PhyloP across 100 vertebrates. Computational evidence (Polyphen, SIFT and Mutation Taster) predicts conflicting evidence on protein structure and function for this variant. For these reasons, this variant has been classified as Uncertain Significance.